The following is an entry in ClinVar:

NM_001036.6(RYR3):c.10620GGA[3] (p.Glu3545del)

Gene: RYR3 (ryanodine receptor 3; plus strand). Cytogenetic location: 15q14.
Variant type: Microsatellite.
Coding change: c.10620GGA[3] on transcript NM_001036.6 (MANE Select); three copies in a row of the 3-base unit GGA starting at c.10620; the reference has four copies in a row; one copy, 3 bases deleted.
Protein change: p.Glu3545del; deletes glutamic acid 3545.
Molecular consequence: inframe deletion.
Genome position (GRCh38, 1-based): chr15:33,818,607-33,818,609, GGA deleted; deleting any 3 consecutive bases within chr15:33,818,596-33,818,609 gives the same sequence; the position shown is the placement nearest the transcript's 3' end. VCF-style (leftmost placement, unchanged base first): chr15-33818595-AGAG-A. GRCh37 (hg19) VCF-style: chr15-34110796-AGAG-A.
Other names: c.10605GGA[3], p.Glu3540del (NM_001243996.4); short protein forms E3545del, E3540del.
Identifiers: ClinVar variation 937901 (VCV000937901.9), dbSNP rs761472822, ClinGen allele CA7460905.

ClinVar aggregate classification (germline): Uncertain significance (1 of 4 stars; one submission).

Conditions:
Epileptic encephalopathy. Identifiers: MedGen C0543888, HP:0200134.

Submission:

Labcorp Genetics (formerly Invitae), Labcorp
Classification: Uncertain significance for Epileptic encephalopathy. Last evaluated: 2019-09-02. Review status: criteria provided, single submitter. Criteria: Invitae Variant Classification Sherloc (09022015). Collection method: clinical testing. Allele origin: germline.
Comment: In summary, the available evidence is currently insufficient to determine the role of this variant in disease. Therefore, it has been classified as a Variant of Uncertain Significance. Experimental studies and prediction algorithms are not available or were not evaluated for this variant, and the functional significance of this variant is currently unknown. This variant has not been reported in the literature in individuals with RYR3-related conditions. The frequency data for this variant in the population databases is considered unreliable, as metrics indicate poor data quality at this position in the ExAC database. This variant, c.10629_10631del, results in the deletion of 1 amino acid(s) of the RYR3 protein (p.Glu3545del), but otherwise preserves the integrity of the reading frame.